The following is an entry in ClinVar:

ClinVar aggregate classification (germline): Likely benign (1 of 4 stars; one submission).

Submission:

CeGaT Center for Human Genetics Tuebingen
Classification: Likely benign. Last evaluated: 2025-08-01. Review status: criteria provided, single submitter. Criteria: CeGaT Center For Human Genetics Tuebingen Variant Classification Criteria Version 2. Collection method: clinical testing. Allele origin: germline. Affected: yes. Observed: 1 variant allele.
Comment: ELN: PM2:Supporting, BP4, BP7

NM_000501.4(ELN):c.150C>T (p.Ala50=)

Gene: ELN (elastin; plus strand). Cytogenetic location: 7q11.23.
Variant type: single nucleotide variant.
Coding change: c.150C>T on transcript NM_000501.4 (MANE Select); coding-DNA position 150, C replaced by T.
Protein change: p.Ala50=; no amino-acid change (alanine 50 retained).
Molecular consequence: synonymous variant. On other transcripts: intron variant (4).
Genome position (GRCh38, 1-based): chr7:74,036,571, C>T. VCF-style: chr7-74036571-C-T. GRCh37 (hg19) VCF-style: chr7-73450901-C-T.
Other names: c.150C>T, p.Ala50= (NM_001081753.3, NM_001081754.3, NM_001081755.3 and 5 more transcripts); c.134-1136C>T (NM_001278914.2, NM_001278917.2, NM_001081752.3 and 1 more transcripts).
Identifiers: ClinVar variation 4085915 (VCV004085915.8).